The following is an entry in ClinVar:

NM_177433.3(MAGED2):c.1505G>A (p.Arg502Gln)

Gene: MAGED2 (MAGE family member D2; plus strand). Cytogenetic location: Xp11.21.
Variant type: single nucleotide variant.
Coding change: c.1505G>A on transcript NM_177433.3 (MANE Select); coding-DNA position 1505, G replaced by A.
Protein change: p.Arg502Gln; replaces arginine 502 with glutamine.
Molecular consequence: missense variant.
Genome position (GRCh38, 1-based): chrX:54,815,366, G>A. VCF-style: chrX-54815366-G-A. GRCh37 (hg19) VCF-style: chrX-54841799-G-A.
Other names: c.1505G>A (NM_201222.1); c.1505G>A, p.Arg502Gln (NM_014599.6, NM_201222.3); short protein forms R502Q.
Identifiers: ClinVar variation 3718142 (VCV003718142.3).

ClinVar aggregate classification (germline): Conflicting classifications of pathogenicity. Review status: criteria provided, conflicting classifications (1 of 4 stars). 2 submissions from 2 submitters: Uncertain significance (1); Likely benign (1). Last evaluated 2026-02-01.

Conditions:
Inborn genetic diseases. Identifiers: MedGen C0950123, MeSH D030342.

gnomAD v4.1: 13 of 1,209,231 alleles (0.0011%); highest among the groups gnomAD compares: East Asian, 0.015%; no homozygotes.

Submissions (2):

Labcorp Genetics (formerly Invitae), Labcorp
Classification: Uncertain significance. Last evaluated: 2026-02-01. Review status: criteria provided, single submitter. Criteria: Invitae Variant Classification Sherloc (09022015). Collection method: clinical testing. Allele origin: germline.
Comment: This sequence change replaces arginine, which is basic and polar, with glutamine, which is neutral and polar, at codon 502 of the MAGED2 protein (p.Arg502Gln). This variant is present in population databases (rs749710147, gnomAD 0.03%), including at least one homozygous and/or hemizygous individual. This variant has not been reported in the literature in individuals affected with MAGED2-related conditions. ClinVar contains an entry for this variant (Variation ID: 3718142). An algorithm developed to predict the effect of missense changes on protein structure and function outputs the following: PolyPhen-2: "Benign". The glutamine amino acid residue is found in multiple mammalian species, which suggests that this missense change does not adversely affect protein function. In summary, the available evidence is currently insufficient to determine the role of this variant in disease. Therefore, it has been classified as a Variant of Uncertain Significance.

Ambry Genetics
Classification: Likely benign for Inborn genetic diseases. Last evaluated: 2025-05-06. Review status: criteria provided, single submitter. Criteria: Ambry Variant Classification Scheme 2023. Collection method: clinical testing. Allele origin: germline.